The following is an entry in ClinVar:

NM_001012759.3(CTU2):c.799A>G (p.Ser267Gly)

Gene: CTU2 (cytosolic thiouridylase subunit 2; plus strand). Cytogenetic location: 16q24.3.
Variant type: single nucleotide variant.
Coding change: c.799A>G on transcript NM_001012759.3 (MANE Select); coding-DNA position 799, A replaced by G.
Protein change: p.Ser267Gly; replaces serine 267 with glycine.
Molecular consequence: missense variant.
Genome position (GRCh38, 1-based): chr16:88,713,373, A>G. VCF-style: chr16-88713373-A-G. GRCh37 (hg19) VCF-style: chr16-88779781-A-G.
Other names: c.799A>G, p.Ser267Gly (NM_001012762.3); c.1012A>G, p.Ser338Gly (NM_001318507.2); c.538A>G, p.Ser180Gly (NM_001318513.2); c.799A>G (NM_001012759.2); short protein forms S338G, S267G, S180G.
Identifiers: ClinVar variation 2480148 (VCV002480148.3), dbSNP rs1310751793, ClinGen allele CA397064039.
Genomic context (GRCh38, chr16:88,713,373, plus strand): 5'-ACCCACCTGATCCTCCACATGGCCCGAGCCCACGGCTACTCCAAGGTCATGACTGGGGAC[A>G]GCTGCACACGCTTGGCTATCAAGCTCATGACCAACCTGGCGCTGGGTCGAGGGGCCTTCC-3'
Protein context (NP_001012777.1, residues 257-277): HGYSKVMTGD[Ser267Gly]CTRLAIKLMT

ClinVar aggregate classification (germline): Uncertain significance. Review status: criteria provided, multiple submitters, no conflicts (2 of 4 stars). 2 submissions from 2 submitters: Uncertain significance (2). Last evaluated 2026-04-03.

Allele frequency attached by ClinVar (database versions not stated): gnomAD 0.00001; TOPMed 0.00001.
gnomAD v4.1: 20 of 1,603,894 alleles (0.0012%); highest among the groups gnomAD compares: Non-Finnish European, 0.0016%; no homozygotes.

Submissions (2):

GeneDx
Classification: Uncertain significance. Last evaluated: 2026-04-03. Review status: criteria provided, single submitter. Criteria: GeneDx Variant Classification Process June 2021. Collection method: clinical testing. Allele origin: germline.
Comment: Not observed at significant frequency in large population cohorts (gnomAD); In silico analysis supports that this missense variant has a deleterious effect on protein structure/function; Has not been previously published as pathogenic or benign to our knowledge

Ambry Genetics
Classification: Uncertain significance. Last evaluated: 2023-01-31. Review status: criteria provided, single submitter. Criteria: Ambry Variant Classification Scheme 2023. Collection method: clinical testing. Allele origin: germline.